The following is an entry in ClinVar:

ClinVar aggregate classification (germline): Uncertain significance (1 of 4 stars; one submission).

Conditions:
Atypical hemolytic-uremic syndrome. Identifiers: Orphanet 2134, MedGen C2931788, MONDO:0016244.

Submission:

Genomenon, Inc
Classification: Uncertain significance for Atypical hemolytic-uremic syndrome. Last evaluated: 2025-09-30. Review status: criteria provided, single submitter. Criteria: Genomenon Sequence Variant Interpretation Standards. Collection method: curation. Allele origin: germline. Affected: yes.
Comment: C3 p.Gly262Trp (c.784G>T) is a missense variant that changes the amino acid at residue 262 from Glycine to Tryptophan. This variant has been observed in at least one proband affected with atypical hemolytic-uremic syndrome (PMID:25608561;25135762). It is absent or not present at a significant frequency in gnomAD. In silico models agree that this variant is possibly or probably damaging. In conclusion, we classify C3 p.Gly262Trp (c.784G>T) as a variant of unknown significance.

Literature cited by the submitters: PubMed 25608561; PubMed 25135762.

NM_000064.4(C3):c.784G>T (p.Gly262Trp)

Gene: C3 (complement C3; minus strand). Cytogenetic location: 19p13.3.
Variant type: single nucleotide variant.
Coding change: c.784G>T on transcript NM_000064.4 (MANE Select); coding-DNA position 784, G replaced by T.
Protein change: p.Gly262Trp; replaces glycine 262 with tryptophan.
Molecular consequence: missense variant.
Genome position (GRCh38, 1-based): chr19:6,713,499, C>A on the plus strand (G>T on the coding strand, the complement: C3 is on the minus strand). VCF-style: chr19-6713499-C-A. GRCh37 (hg19) VCF-style: chr19-6713510-C-A.
Other names: short protein forms G262W.
Identifiers: ClinVar variation 4280276 (VCV004280276.1).
Genomic context (GRCh38, chr19:6,713,499, plus strand): 5'-TCCTCTGTTCGCCATCCTGGATCCCGAAGATGACAAAGGCAGTTCCCTCCACTTTCTTCC[C>A]GTAGAGGAACCTACGGGACAGACAAGGAGGGCTTCAGGTCCATCCCTCCTGGAGAATGGG-3'
Protein context (NP_000055.2, residues 252-272): EVTITARFLY[Gly262Trp]KKVEGTAFVI